The following is an entry in ClinVar:

NM_020863.4(ZFAT):c.1409C>G (p.Ser470Cys)

Genes: ZFAT (zinc finger and AT-hook domain containing; minus strand), LOC130001238 (ATAC-STARR-seq lymphoblastoid active region 28015; plus strand). Cytogenetic location: 8q24.22.
Variant type: single nucleotide variant.
Coding change: c.1409C>G on transcript NM_020863.4 (MANE Select); coding-DNA position 1409, C replaced by G.
Protein change: p.Ser470Cys; replaces serine 470 with cysteine.
Molecular consequence: missense variant. On other transcripts: non-coding transcript variant (1).
Genome position (GRCh38, 1-based): chr8:134,602,310, G>C on the plus strand (C>G on the coding strand, the complement: ZFAT is on the minus strand). VCF-style: chr8-134602310-G-C. GRCh37 (hg19) VCF-style: chr8-135614553-G-C.
Other names: c.1373C>G, p.Ser458Cys (NM_001029939.4, NM_001167583.3, NM_001174158.2 and 1 more transcripts); c.1223C>G, p.Ser408Cys (NM_001174157.2); short protein forms S458C, S470C, S408C.
Identifiers: ClinVar variation 403619 (VCV000403619.29), dbSNP rs112892337, ClinGen allele CA4888039.

ClinVar aggregate classification (germline): Conflicting classifications of pathogenicity. Review status: criteria provided, conflicting classifications (1 of 4 stars). 3 submissions from 3 submitters: Uncertain significance (2); Likely benign (1). Last evaluated 2022-11-01.

Allele frequency attached by ClinVar (database versions not stated): gnomAD exomes 0.00205 and 0.00348; gnomAD 0.00207 and 0.00217; ExAC 0.00212; TOPMed 0.00221; ESP Exome Variant Server 0.00238; 1000 Genomes Project 30x 0.00031; 1000 Genomes Project 0.00040.
gnomAD v4.1: 5,424 of 1,613,942 alleles (0.34%); highest among the groups gnomAD compares: Non-Finnish European, 0.42%; 17 homozygotes.

Submissions (3):

CeGaT Center for Human Genetics Tuebingen
Classification: Likely benign. Last evaluated: 2022-11-01. Review status: criteria provided, single submitter. Criteria: CeGaT Center For Human Genetics Tuebingen Variant Classification Criteria Version 2. Collection method: clinical testing. Allele origin: germline. Affected: yes. Observed: 1 variant allele.
Comment: ZFAT: BS2

Laboratory for Molecular Medicine, Mass General Brigham Personalized Medicine
Classification: Uncertain significance. Last evaluated: 2016-03-28. Review status: criteria provided, single submitter. Criteria: LMM Criteria. Collection method: clinical testing. Allele origin: germline.
Comment: Variant identified in a genome or exome case(s) and assessed due to predicted null impact of the variant or pathogenic assertions in the literature or databases. Disclaimer: This variant has not undergone full assessment. The following are preliminary notes: Gene associated with autoimmune thyroid disease - protein involved in t cell homeostasis, however data is limited. Also, frequency is probably too high.

Breakthrough Genomics
Classification: Uncertain significance. Review status: criteria provided, single submitter. Criteria: ACMG Guidelines, 2015. Collection method: not provided. Allele origin: germline. Inheritance: Autosomal recessive inheritance. Affected: yes.